The following is an entry in ClinVar:

NM_006231.4(POLE):c.4987del (p.Asp1663fs)

Gene: POLE (DNA polymerase epsilon, catalytic subunit; minus strand). Cytogenetic location: 12q24.33.
Variant type: Deletion.
Coding change: c.4987del on transcript NM_006231.4 (MANE Select); coding-DNA position 4987, one base deleted (G; older notation c.4987delG).
Protein change: p.Asp1663fs; shifts the reading frame from aspartic acid 1663.
Molecular consequence: frameshift variant.
Genome position (GRCh38, 1-based): chr12:132,642,363, C deleted on the plus strand (G on the coding strand, the reverse complement: POLE is on the minus strand); the first of 2 consecutive C bases (chr12:132,642,363-132,642,364); deleting either gives the same sequence. VCF-style (leftmost placement, unchanged base first): chr12-132642362-TC-T. GRCh37 (hg19) VCF-style: chr12-133218948-TC-T.
Other names: c.4987delG (NM_006231.2); short protein forms D1663fs.
Identifiers: ClinVar variation 2852111 (VCV002852111.4), dbSNP rs2541884578, ClinGen allele CA2739277451.

ClinVar aggregate classification (germline): Conflicting classifications of pathogenicity. Review status: criteria provided, conflicting classifications (1 of 4 stars). 2 submissions from 2 submitters: Pathogenic (1); Uncertain significance (1). Last evaluated 2026-09-14.

Conditions:
Hereditary cancer-predisposing syndrome. Also called: Hereditary Cancer Syndrome; Hereditary neoplastic syndrome; Neoplastic Syndromes, Hereditary; Tumor predisposition. Identifiers: Orphanet 140162, MedGen C0027672, MeSH D009386, MONDO:0015356.

Submissions (2):

Ambry Genetics
Classification: Uncertain significance for Hereditary cancer-predisposing syndrome. Last evaluated: 2026-09-14. Review status: criteria provided, single submitter. Criteria: Ambry Variant Classification Scheme 2023. Collection method: clinical testing. Allele origin: germline.
Comment: The c.4987delG variant, located in coding exon 38 of the POLE gene, results from a deletion of one nucleotide at nucleotide position 4987, causing a translational frameshift with a predicted alternate stop codon (p.D1663Tfs*98). This alteration is expected to result in loss of function by premature protein truncation or nonsense-mediated mRNA decay. Although biallelic loss of function of POLE has been associated with autosomal recessive POLE deficiency, haploinsufficiency of POLE has not been established as a mechanism of disease for POLE-related polymerase proofreading-associated polyposis (PPAP) and POLE-related CMMRD-like syndrome. Based on the supporting evidence, this variant is expected to be causative of POLE deficiency when present along with a second pathogenic variant on the other allele; however, its clinical significance for PPAP and POLE-related CMMRD-like syndrome is unclear.

Labcorp Genetics (formerly Invitae), Labcorp
Classification: Pathogenic. Last evaluated: 2023-04-05. Review status: criteria provided, single submitter. Criteria: Invitae Variant Classification Sherloc (09022015). Collection method: clinical testing. Allele origin: germline.
Comment: For these reasons, this variant has been classified as Pathogenic. This sequence change creates a premature translational stop signal (p.Asp1663Thrfs*98) in the POLE gene. It is expected to result in an absent or disrupted protein product. Loss-of-function variants in POLE are known to be pathogenic (PMID: 23230001, 25948378, 30503519). This variant is not present in population databases (gnomAD no frequency). This variant has not been reported in the literature in individuals affected with POLE-related conditions.

Literature cited by the submitters: PubMed 23230001 (cited by Labcorp Genetics (formerly Invitae), Labcorp); PubMed 25948378 (cited by Labcorp Genetics (formerly Invitae), Labcorp); PubMed 30503519 (cited by Labcorp Genetics (formerly Invitae), Labcorp).